The following is an entry in ClinVar:

ClinVar aggregate classification (germline): Uncertain significance. Review status: criteria provided, multiple submitters, no conflicts (2 of 4 stars). 3 submissions from 3 submitters: Uncertain significance (3). Last evaluated 2023-04-11.

Conditions:
Inborn genetic diseases. Identifiers: MedGen C0950123, MeSH D030342.
Intellectual disability-microcephaly-strabismus-behavioral abnormalities syndrome. Also called: White-Sutton Syndrome. Identifiers: Orphanet 468678, MedGen C4225351, MONDO:0014606, OMIM 616364.

Allele frequency attached by ClinVar (database versions not stated): gnomAD exomes below 0.00001.
gnomAD v4.1: 3 of 1,614,138 alleles (0.00019%); highest among the groups gnomAD compares: Non-Finnish European, 0.00025%; no homozygotes.

Submissions (3):

Genome-Nilou Lab
Classification: Uncertain significance for Intellectual disability-microcephaly-strabismus-behavioral abnormalities syndrome. Last evaluated: 2023-04-11. Review status: criteria provided, single submitter. Criteria: ACMG Guidelines, 2015. Collection method: clinical testing. Allele origin: germline. Affected: no.

GeneDx
Classification: Uncertain significance. Last evaluated: 2022-06-07. Review status: criteria provided, single submitter. Criteria: GeneDx Variant Classification Process June 2021. Collection method: clinical testing. Allele origin: germline. Affected: yes.
Comment: Not observed at significant frequency in large population cohorts (gnomAD); In silico analysis supports that this missense variant does not alter protein structure/function; Has not been previously published as pathogenic or benign to our knowledge

Ambry Genetics
Classification: Uncertain significance for Inborn genetic diseases. Last evaluated: 2020-10-14. Review status: criteria provided, single submitter. Criteria: Ambry Variant Classification Scheme 2023. Collection method: clinical testing. Allele origin: germline.
Comment: The c.4165G>C (p.E1389Q) alteration is located in exon 19 (coding exon 18) of the POGZ gene. This alteration results from a G to C substitution at nucleotide position 4165, causing the glutamic acid (E) at amino acid position 1389 to be replaced by a glutamine (Q). Based on data from the Genome Aggregation Database (gnomAD), the POGZ c.4165G>C alteration was not observed, with coverage at this position. This amino acid position is highly conserved in available vertebrate species. The p.E1389Q alteration is predicted to be tolerated by in silico analysis. Based on insufficient or conflicting evidence, the clinical significance of this alteration remains unclear.

NM_015100.4(POGZ):c.4165G>C (p.Glu1389Gln)

Gene: POGZ (pogo transposable element derived with ZNF domain; minus strand). Cytogenetic location: 1q21.3.
Variant type: single nucleotide variant.
Coding change: c.4165G>C on transcript NM_015100.4 (MANE Select); coding-DNA position 4165, G replaced by C.
Protein change: p.Glu1389Gln; replaces glutamic acid 1389 with glutamine.
Molecular consequence: missense variant.
Genome position (GRCh38, 1-based): chr1:151,404,870, C>G on the plus strand (G>C on the coding strand, the complement: POGZ is on the minus strand). VCF-style: chr1-151404870-C-G. GRCh37 (hg19) VCF-style: chr1-151377346-C-G.
Other names: c.4138G>C, p.Glu1380Gln (NM_001194937.2); c.3979G>C, p.Glu1327Gln (NM_001194938.2); c.4186G>C, p.Glu1396Gln (NM_001410860.1); c.3880G>C, p.Glu1294Gln (NM_145796.4); c.4006G>C, p.Glu1336Gln (NM_207171.2); short protein forms E1294Q, E1327Q, E1336Q, E1380Q, E1389Q, E1396Q.
Identifiers: ClinVar variation 1803366 (VCV001803366.5), dbSNP rs2529190447, ClinGen allele CA341933448.